The following is an entry in ClinVar:

NM_001276270.2(MBD4):c.1393+2T>C

Gene: MBD4 (methyl-CpG binding domain 4, DNA glycosylase; minus strand). Cytogenetic location: 3q21.3.
Variant type: single nucleotide variant.
Coding change: c.1393+2T>C on transcript NM_001276270.2 (MANE Select); the canonical splice donor site of the intron after coding-DNA position 1393, T replaced by C.
Molecular consequence: splice donor variant.
Genome position (GRCh38, 1-based): chr3:129,433,848, A>G on the plus strand (T>C on the coding strand, the complement: MBD4 is on the minus strand). VCF-style: chr3-129433848-A-G. GRCh37 (hg19) VCF-style: chr3-129152691-A-G.
Other names: c.457+2T>C (NM_001276273.2); c.1411+2T>C (NM_001276272.2, NM_003925.3, NM_001276271.2).
Identifiers: ClinVar variation 2869314 (VCV002869314.5), dbSNP rs1172744855, ClinGen allele CA354465584.

ClinVar aggregate classification (germline): Conflicting classifications of pathogenicity. Review status: criteria provided, conflicting classifications (1 of 4 stars). 3 submissions from 3 submitters: Likely pathogenic (2); Uncertain significance (1). Last evaluated 2025-12-23.

Conditions:
Tumor predisposition syndrome 2 (TPDS2). Also called: MBD4-ASSOCIATED NEOPLASIA SYNDROME; MBD4-Related Tumor Predisposition Syndrome; MBD4-associated neoplasia syndrome (MANS). Identifiers: Orphanet 661526, MedGen C5774186, MONDO:0859267, OMIM 619975.
Inborn genetic diseases. Identifiers: MedGen C0950123, MeSH D030342.

Allele frequency attached by ClinVar (database versions not stated): gnomAD exomes 0.00001.
gnomAD v4.1: 7 of 1,614,058 alleles (0.00043%); highest among the groups gnomAD compares: Non-Finnish European, 0.00051%; no homozygotes.

Submissions (3):

Labcorp Genetics (formerly Invitae), Labcorp
Classification: Likely pathogenic. Last evaluated: 2025-12-23. Review status: criteria provided, single submitter. Criteria: Invitae Variant Classification Sherloc (09022015). Collection method: clinical testing. Allele origin: germline.
Comment: This sequence change affects a donor splice site in intron 5 of the MBD4 gene. It is expected to disrupt RNA splicing. Variants that disrupt the donor or acceptor splice site typically lead to a loss of protein function (PMID: 16199547), and loss-of-function variants in MBD4 are known to be pathogenic (PMID: 30049810, 35460607). This variant is present in population databases (no rsID available, gnomAD 0.002%). This variant has not been reported in the literature in individuals affected with MBD4-related conditions. ClinVar contains an entry for this variant (Variation ID: 2869314). Algorithms developed to predict the effect of sequence changes on RNA splicing suggest that this variant may disrupt the consensus splice site. In summary, the currently available evidence indicates that the variant is pathogenic, but additional data are needed to prove that conclusively. Therefore, this variant has been classified as Likely Pathogenic.

Myriad Genetics, Inc.
Classification: Likely pathogenic for Tumor predisposition syndrome 2. Last evaluated: 2025-11-26. Review status: criteria provided, single submitter. Criteria: Myriad Autosomal Dominant, Autosomal Recessive and X-Linked Classification Criteria (2023). Collection method: clinical testing. Allele origin: unknown.
Comment: This variant is considered likely pathogenic. This variant occurs within a consensus splice junction and is predicted to result in abnormal mRNA splicing of either an out-of-frame exon or an in-frame exon necessary for protein stability and/or normal function.

Ambry Genetics
Classification: Uncertain significance for Inborn genetic diseases. Last evaluated: 2025-03-24. Review status: criteria provided, single submitter. Criteria: Ambry Variant Classification Scheme 2023. Collection method: clinical testing. Allele origin: germline.
Comment: The c.1393+2T>C intronic variant results from a T to C substitution two nucleotides after coding exon 5 in the MBD4 gene. This nucleotide position is highly conserved in available vertebrate species. In silico splice site analysis predicts that this alteration will weaken the native splice donor site and the resulting transcript is predicted to be in-frame and is not expected to trigger nonsense-mediated mRNA decay; however, direct evidence is insufficient at this time (Ambry internal data). Alterations that disrupt the canonical splice site are expected to cause aberrant splicing; however, +2T>C alterations are capable of generating wild-type transcripts in some genomic contexts and should be interpreted with caution (Lin JH et al. Hum Mutat. 2019 10;40:1856-1873). Based on the available evidence, the clinical significance of this alteration remains unclear.

Literature cited by the submitters: PubMed 16199547 (cited by Labcorp Genetics (formerly Invitae), Labcorp); PubMed 30049810 (cited by Labcorp Genetics (formerly Invitae), Labcorp); PubMed 35460607 (cited by Labcorp Genetics (formerly Invitae), Labcorp).